The following is an entry in ClinVar:

ClinVar aggregate classification (germline): Benign (1 of 4 stars; one submission).

Allele frequency attached by ClinVar (database versions not stated): TOPMed 0.00006; gnomAD 0.00014; 1000 Genomes Project 30x 0.00016; 1000 Genomes Project 0.00020; gnomAD exomes 0.00035; ExAC 0.00081.
gnomAD v4.1: 516 of 1,608,482 alleles (0.032%); highest among the groups gnomAD compares: South Asian, 0.51%; 4 homozygotes.

Submissions (2):

CeGaT Center for Human Genetics Tuebingen
Classification: Benign. Last evaluated: 2022-07-01. Review status: criteria provided, single submitter. Criteria: CeGaT Center For Human Genetics Tuebingen Variant Classification Criteria Version 2. Collection method: clinical testing. Allele origin: germline. Affected: yes. Observed: 1 variant allele.
Comment: SPTBN5: BS1, BS2

Dr. Peter K. Rogan Lab, Western University
No classification provided (evidence only). Condition: Colon adenocarcinoma. Review status: no classification provided. Collection method: in vitro. Allele origin: not applicable. Functional consequence: retained intron. Not counted in ClinVar's aggregate classification.

NM_016642.4(SPTBN5):c.10656G>A (p.Gln3552=)

Gene: SPTBN5 (spectrin beta, non-erythrocytic 5; minus strand). Cytogenetic location: 15q15.1.
Variant type: single nucleotide variant.
Coding change: c.10656G>A on transcript NM_016642.4 (MANE Select); coding-DNA position 10656, G replaced by A.
Protein change: p.Gln3552=; no amino-acid change (glutamine 3552 retained).
Molecular consequence: synonymous variant.
Genome position (GRCh38, 1-based): chr15:41,851,779, C>T on the plus strand (G>A on the coding strand, the complement: SPTBN5 is on the minus strand). VCF-style: chr15-41851779-C-T. GRCh37 (hg19) VCF-style: chr15-42143977-C-T.
Other names: NC_000015.9:g.42143977C>T.
Identifiers: ClinVar variation 2645203 (VCV002645203.25), dbSNP rs543441525, ClinGen allele CA7500876.